The following is an entry in ClinVar:

NM_000268.4(NF2):c.30del (p.Phe11fs)

Gene: NF2 (NF2, moesin-ezrin-radixin like (MERLIN) tumor suppressor; plus strand). Cytogenetic location: 22q12.2.
Variant type: Deletion.
Coding change: c.30del on transcript NM_000268.4 (MANE Select); coding-DNA position 30, one base deleted (C; older notation c.30delC).
Protein change: p.Phe11fs; shifts the reading frame from phenylalanine 11.
Molecular consequence: frameshift variant. On other transcripts: non-coding transcript variant (1).
Genome position (GRCh38, 1-based): chr22:29,604,028, C deleted. VCF-style (leftmost placement, unchanged base first): chr22-29604027-GC-G. GRCh37 (hg19) VCF-style: chr22-30000016-GC-G.
Other names: c.30del, p.Phe11fs (NM_016418.5, NM_181825.3, NM_181828.3 and 5 more transcripts); short protein forms F11fs.
Identifiers: ClinVar variation 818007 (VCV000818007.1), dbSNP rs1601515836, ClinGen allele CA915952830.

ClinVar aggregate classification (germline): Pathogenic (1 of 4 stars; one submission).

Submission:

GeneDx
Classification: Pathogenic. Last evaluated: 2019-02-04. Review status: criteria provided, single submitter. Criteria: GeneDx Variant Classification (06012015). Collection method: clinical testing. Allele origin: germline. Affected: yes.
Comment: The c.30delC variant has not been published as a pathogenic variant, nor has it been reported as a benign variant to our knowledge. The variant is not observed in large population cohorts (Lek et al., 2016). It causes a frameshift starting with codon Phenylalanine 11, changes this amino acid to a Serine residue and creates a premature Stop codon at position 14 of the new reading frame, denoted p.Phe11SerfsX14. This variant is predicted to cause loss of normal protein function either through protein truncation or nonsense-mediated mRNA decay. We interpret this variant as pathogenic.